The following is an entry in ClinVar:

NM_147127.5(EVC2):c.1778del (p.Gly593fs)

Gene: EVC2 (EvC ciliary complex subunit 2; minus strand). Cytogenetic location: 4p16.2.
Variant type: Deletion.
Coding change: c.1778del on transcript NM_147127.5 (MANE Select); coding-DNA position 1778, one base deleted (G; older notation c.1778delG).
Protein change: p.Gly593fs; shifts the reading frame from glycine 593.
Molecular consequence: frameshift variant.
Genome position (GRCh38, 1-based): chr4:5,628,667, C deleted on the plus strand (G on the coding strand, the reverse complement: EVC2 is on the minus strand); the first of 2 consecutive C bases (chr4:5,628,667-5,628,668); deleting either gives the same sequence. VCF-style (leftmost placement, unchanged base first): chr4-5628666-GC-G. GRCh37 (hg19) VCF-style: chr4-5630393-GC-G.
Other names: c.1538del, p.Gly513fs (NM_001166136.2); short protein forms G593fs, G513fs.
Identifiers: ClinVar variation 4787218 (VCV004787218.1).

ClinVar aggregate classification (germline): Pathogenic (1 of 4 stars; one submission).

Conditions:
Ellis-van Creveld syndrome (EVC). Also called: EVC-Related Ellis-van Creveld Syndrome; EVC2-Related Ellis-van Creveld Syndrome; MESOECTODERMAL DYSPLASIA; Chondroectodermal dysplasia. Identifiers: Orphanet 289, MedGen C0013903, MONDO:0009162, OMIM 225500.
Curry-Hall syndrome (WAD). Also called: WEYERS ACRODENTAL DYSOSTOSIS. Identifiers: Orphanet 952, MedGen C0457013, MONDO:0008673, OMIM 193530.

Submission:

Labcorp Genetics (formerly Invitae), Labcorp
Classification: Pathogenic for Curry-Hall syndrome; Ellis-van Creveld syndrome. Last evaluated: 2026-01-08. Review status: criteria provided, single submitter. Criteria: Invitae Variant Classification Sherloc (09022015). Collection method: clinical testing. Allele origin: germline.
Comment: This sequence change creates a premature translational stop signal (p.Gly593Alafs*21) in the EVC2 gene. It is expected to result in an absent or disrupted protein product. Loss-of-function variants in EVC2 are known to be pathogenic (PMID: 17024374, 19810119, 19876929). This variant is not present in population databases (gnomAD no frequency). This variant has not been reported in the literature in individuals affected with EVC2-related conditions. For these reasons, this variant has been classified as Pathogenic.

Literature cited by the submitters: PubMed 17024374; PubMed 19810119; PubMed 19876929.